The following is an entry in ClinVar:

NM_003737.4(DCHS1):c.6479C>T (p.Thr2160Ile)

Gene: DCHS1 (dachsous cadherin-related 1; minus strand). Cytogenetic location: 11p15.4.
Variant type: single nucleotide variant.
Coding change: c.6479C>T on transcript NM_003737.4 (MANE Select); coding-DNA position 6479, C replaced by T.
Protein change: p.Thr2160Ile; replaces threonine 2160 with isoleucine.
Molecular consequence: missense variant.
Genome position (GRCh38, 1-based): chr11:6,626,266, G>A on the plus strand (C>T on the coding strand, the complement: DCHS1 is on the minus strand). VCF-style: chr11-6626266-G-A. GRCh37 (hg19) VCF-style: chr11-6647497-G-A.
Other names: short protein forms T2160I.
Identifiers: ClinVar variation 770972 (VCV000770972.46), dbSNP rs113091644, ClinGen allele CA5859849.
Genomic context (GRCh38, chr11:6,626,266, plus strand): 5'-AGGAAGGCCACATAATGGGGCCGCAGGAAACGGGGAGCATTGTCGTTGGCATCTTGCAGG[G>A]TCAGGGTCAGCACAGTGAAGGCAAAGGCTCCTCCACTCTCTGCCTGCAGCACCAGTCGCA-3'
Protein context (NP_003728.1, residues 2150-2170): GAFAFTVLTL[Thr2160Ile]LQDANDNAPR

ClinVar aggregate classification (germline): Benign/Likely benign. Review status: criteria provided, multiple submitters, no conflicts (2 of 4 stars). 7 submissions from 7 submitters: Benign (1); Likely benign (3). 3 of the submissions do not count toward it. Last evaluated 2026-06-01.

Allele frequency attached by ClinVar (database versions not stated): 1000 Genomes Project 0.00359; 1000 Genomes Project 30x 0.00359; TOPMed 0.00405; ESP Exome Variant Server 0.00600; gnomAD 0.00667 and 0.00689; gnomAD exomes 0.00730 and 0.00733; ExAC 0.00848.
gnomAD v4.1: 11,643 of 1,613,050 alleles (0.72%); highest among the groups gnomAD compares: Non-Finnish European, 0.75%; 87 homozygotes.

Submissions (7):

CeGaT Center for Human Genetics Tuebingen
Classification: Likely benign. Last evaluated: 2026-06-01. Review status: criteria provided, single submitter. Criteria: CeGaT Center For Human Genetics Tuebingen Variant Classification Criteria Version 2. Collection method: clinical testing. Allele origin: germline. Affected: yes. Observed: 18 variant alleles.
Comment: DCHS1: BS2

Labcorp Genetics (formerly Invitae), Labcorp
Classification: Benign. Last evaluated: 2026-02-03. Review status: criteria provided, single submitter. Criteria: Invitae Variant Classification Sherloc (09022015). Collection method: clinical testing. Allele origin: germline.

GeneDx
Classification: Likely benign. Last evaluated: 2021-07-16. Review status: criteria provided, single submitter. Criteria: GeneDx Variant Classification Process June 2021. Collection method: clinical testing. Allele origin: germline. Affected: yes.

Breakthrough Genomics
Classification: Likely benign. Review status: criteria provided, single submitter. Criteria: ACMG Guidelines, 2015. Collection method: not provided. Allele origin: germline. Inheritance: Autosomal recessive inheritance. Affected: yes.

Clinical Genetics DNA and cytogenetics Diagnostics Lab, Erasmus MC, Erasmus Medical Center
Classification: Likely benign. Review status: no assertion criteria provided. Collection method: clinical testing. Allele origin: germline. Affected: yes. Study: VKGL Data-share Consensus. Not counted in ClinVar's aggregate classification.

Clinical Genetics, Academic Medical Center
Classification: Benign. Review status: no assertion criteria provided. Collection method: clinical testing. Allele origin: germline. Affected: yes. Study: VKGL Data-share Consensus. Not counted in ClinVar's aggregate classification.

Laboratory of Diagnostic Genome Analysis, Leiden University Medical Center (LUMC)
Classification: Likely benign. Review status: no assertion criteria provided. Collection method: clinical testing. Allele origin: germline. Affected: yes. Study: VKGL Data-share Consensus. Not counted in ClinVar's aggregate classification.